The following is an entry in ClinVar:

ClinVar aggregate classification (germline): Uncertain significance (1 of 4 stars; one submission).

Submission:

Labcorp Genetics (formerly Invitae), Labcorp
Classification: Uncertain significance. Last evaluated: 2022-02-08. Review status: criteria provided, single submitter. Criteria: Invitae Variant Classification Sherloc (09022015). Collection method: clinical testing. Allele origin: germline.
Comment: In summary, the available evidence is currently insufficient to determine the role of this variant in disease. Therefore, it has been classified as a Variant of Uncertain Significance. Algorithms developed to predict the effect of missense changes on protein structure and function (SIFT, PolyPhen-2, Align-GVGD) all suggest that this variant is likely to be disruptive. ClinVar contains an entry for this variant (Variation ID: 1061338). This variant has not been reported in the literature in individuals affected with RBP3-related conditions. This variant is not present in population databases (gnomAD no frequency). This sequence change replaces threonine, which is neutral and polar, with alanine, which is neutral and non-polar, at codon 1124 of the RBP3 protein (p.Thr1124Ala).

NM_002900.3(RBP3):c.3370A>G (p.Thr1124Ala)

Gene: RBP3 (retinol binding protein 3; plus strand). Cytogenetic location: 10q11.22.
Variant type: single nucleotide variant.
Coding change: c.3370A>G on transcript NM_002900.3 (MANE Select); coding-DNA position 3370, A replaced by G.
Protein change: p.Thr1124Ala; replaces threonine 1124 with alanine.
Molecular consequence: missense variant.
Genome position (GRCh38, 1-based): chr10:47,355,500, A>G. VCF-style: chr10-47355500-A-G. GRCh37 (hg19) VCF-style: chr10-48383862-T-C.
Other names: short protein forms T1124A.
Identifiers: ClinVar variation 1061338 (VCV001061338.9), dbSNP rs2132258197, ClinGen allele CA376676998.